The following is an entry in ClinVar:

NM_001184.4(ATR):c.6023G>T (p.Arg2008Leu)

Gene: ATR (ATR checkpoint kinase; minus strand). Cytogenetic location: 3q23.
Variant type: single nucleotide variant.
Coding change: c.6023G>T on transcript NM_001184.4 (MANE Select); coding-DNA position 6023, G replaced by T.
Protein change: p.Arg2008Leu; replaces arginine 2008 with leucine.
Molecular consequence: missense variant.
Genome position (GRCh38, 1-based): chr3:142,493,187, C>A on the plus strand (G>T on the coding strand, the complement: ATR is on the minus strand). VCF-style: chr3-142493187-C-A. GRCh37 (hg19) VCF-style: chr3-142212029-C-A.
Other names: c.5831G>T, p.Arg1944Leu (NM_001354579.2); short protein forms R2008L, R1944L.
Identifiers: ClinVar variation 970150 (VCV000970150.17), dbSNP rs145569221, ClinGen allele CA2649435.

ClinVar aggregate classification (germline): Uncertain significance. Review status: criteria provided, multiple submitters, no conflicts (2 of 4 stars). 6 submissions from 5 submitters: Uncertain significance (6). Last evaluated 2025-03-04.

Conditions:
Familial cutaneous telangiectasia and oropharyngeal predisposition cancer syndrome. Identifiers: Orphanet 313846, MedGen C3281203, MONDO:0013806, OMIM 614564.
Seckel syndrome 1 (SCKL1). Also called: MICROCEPHALIC PRIMORDIAL DWARFISM I. Identifiers: Orphanet 808, MedGen C4551474, MONDO:0008869, OMIM 210600.

Allele frequency attached by ClinVar (database versions not stated): TOPMed 0.00031; gnomAD 0.00036 and 0.00037; ESP Exome Variant Server 0.00046.
gnomAD v4.1: 998 of 1,612,864 alleles (0.062%); highest among the groups gnomAD compares: Non-Finnish European, 0.08%; 3 homozygotes.

Submissions (6):

Center for Genomic Medicine, Rigshospitalet, Copenhagen University Hospital
Classification: Uncertain significance. Last evaluated: 2025-03-04. Review status: criteria provided, single submitter. Criteria: ACMG Guidelines, 2015. Collection method: clinical testing. Allele origin: germline.

Labcorp Genetics (formerly Invitae), Labcorp
Classification: Uncertain significance. Last evaluated: 2025-01-20. Review status: criteria provided, single submitter. Criteria: Invitae Variant Classification Sherloc (09022015). Collection method: clinical testing. Allele origin: germline.
Comment: This sequence change replaces arginine, which is basic and polar, with leucine, which is neutral and non-polar, at codon 2008 of the ATR protein (p.Arg2008Leu). This variant is present in population databases (rs145569221, gnomAD 0.05%). This missense change has been observed in individual(s) with breast cancer, colon cancer, and/or ovarian cancer (PMID: 15987455). ClinVar contains an entry for this variant (Variation ID: 970150). An algorithm developed to predict the effect of missense changes on protein structure and function (PolyPhen-2) suggests that this variant is likely to be disruptive. In summary, the available evidence is currently insufficient to determine the role of this variant in disease. Therefore, it has been classified as a Variant of Uncertain Significance.

GeneDx
Classification: Uncertain significance. Last evaluated: 2023-09-25. Review status: criteria provided, single submitter. Criteria: GeneDx Variant Classification Process June 2021. Collection method: clinical testing. Allele origin: germline. Affected: yes.
Comment: In silico analysis supports that this missense variant has a deleterious effect on protein structure/function; In silico analysis is inconclusive as to whether the variant alters gene splicing. In the absence of RNA/functional studies, the actual effect of this sequence change is unknown.; This variant is associated with the following publications: (PMID: 15987455, 32597209, 32946550)

Genome-Nilou Lab
Classification: Uncertain significance for Seckel syndrome 1. Last evaluated: 2023-02-08. Review status: criteria provided, single submitter. Criteria: ACMG Guidelines, 2015. Collection method: clinical testing. Allele origin: germline.

Genome-Nilou Lab
Classification: Uncertain significance for Familial cutaneous telangiectasia and oropharyngeal predisposition cancer syndrome. Last evaluated: 2023-02-08. Review status: criteria provided, single submitter. Criteria: ACMG Guidelines, 2015. Collection method: clinical testing. Allele origin: germline.

Genetic Services Laboratory, University of Chicago
Classification: Uncertain significance. Last evaluated: 2021-01-06. Review status: criteria provided, single submitter. Criteria: ACMG Guidelines, 2015. Collection method: clinical testing. Allele origin: germline. Affected: no.
Comment: DNA sequence analysis of the ATR gene demonstrated a sequence change, c.6023G>T, in exon 35 which results in an amino acid change, p.Arg2008Leu. This sequence change has been described in the gnomAD database with a frequency of 0.054% in the European sub-population (dbSNP rs145569221). The p.Arg2008Leu change has been observed in a family with breast, ovarian, and colon cancer however due to its presence in the population databases was classified as a rare variant (PMID: 15987455). The p.Arg2008Leu change affects a moderately conserved amino acid residue located in a domain of the ATR protein that is known to be functional. In-silico pathogenicity prediction tools (SIFT, PolyPhen2, Align GVGD, REVEL) provide contradictory results for the p.Arg2008Leu substitution. Due to these contrasting evidences and the lack of functional studies, the clinical significance of the p.Arg2008Leu change remains unknown at this time.

Literature cited by the submitters: PubMed 15987455 (cited by Center for Genomic Medicine, Rigshospitalet, Copenhagen University Hospital and Labcorp Genetics (formerly Invitae), Labcorp).